The following is an entry in ClinVar:

ClinVar aggregate classification (germline): Conflicting classifications of pathogenicity. Review status: criteria provided, conflicting classifications (1 of 4 stars). 2 submissions from 2 submitters: Likely pathogenic (1); Uncertain significance (1). Last evaluated 2025-07-01.

Conditions:
Early-infantile DEE. Also called: Early infantile epileptic encephalopathy with suppression bursts; Early infantile epileptic encephalopathy; Ohtahara syndrome. Identifiers: Orphanet 1934, MedGen C0393706, MONDO:0800491.

Submissions (2):

CeGaT Center for Human Genetics Tuebingen
Classification: Likely pathogenic. Last evaluated: 2025-07-01. Review status: criteria provided, single submitter. Criteria: CeGaT Center For Human Genetics Tuebingen Variant Classification Criteria Version 2. Collection method: clinical testing. Allele origin: germline. Affected: yes. Observed: 1 variant allele.
Comment: SCN1A: PS2, PM2, PP3

Labcorp Genetics (formerly Invitae), Labcorp
Classification: Uncertain significance for Early-infantile DEE. Last evaluated: 2023-03-01. Review status: criteria provided, single submitter. Criteria: Invitae Variant Classification Sherloc (09022015). Collection method: clinical testing. Allele origin: germline.
Comment: In summary, the available evidence is currently insufficient to determine the role of this variant in disease. Therefore, it has been classified as a Variant of Uncertain Significance. Variants that disrupt the consensus splice site are a relatively common cause of aberrant splicing (PMID: 17576681, 9536098). Algorithms developed to predict the effect of sequence changes on RNA splicing suggest that this variant may disrupt the consensus splice site. This variant has not been reported in the literature in individuals affected with SCN1A-related conditions. This variant is not present in population databases (gnomAD no frequency). This sequence change falls in intron 9 of the SCN1A gene. It does not directly change the encoded amino acid sequence of the SCN1A protein. It affects a nucleotide within the consensus splice site.

Literature cited by the submitters: PubMed 17576681 (cited by Labcorp Genetics (formerly Invitae), Labcorp); PubMed 9536098 (cited by Labcorp Genetics (formerly Invitae), Labcorp).

NM_001165963.4(SCN1A):c.1378-3T>G

Gene: SCN1A (sodium voltage-gated channel alpha subunit 1; minus strand). Cytogenetic location: 2q24.3.
Variant type: single nucleotide variant.
Coding change: c.1378-3T>G on transcript NM_001165963.4 (MANE Select); 3 bases into the intron before coding-DNA position 1378, T replaced by G.
Molecular consequence: intron variant.
Genome position (GRCh38, 1-based): chr2:166,045,330, A>C on the plus strand (T>G on the coding strand, the complement: SCN1A is on the minus strand). VCF-style: chr2-166045330-A-C. GRCh37 (hg19) VCF-style: chr2-166901840-A-C.
Other names: c.1378-3T>G (NM_001165964.3, NM_001353952.2, NM_006920.6 and 7 more transcripts); c.-1048-3T>G (NM_001353961.2); c.1378-6T>G (NM_001353955.2, NM_001353960.2, NM_001353954.2).
Identifiers: ClinVar variation 2841832 (VCV002841832.11), dbSNP rs150964803, ClinGen allele CA2739271491.